The following is an entry in ClinVar:

NM_004304.5(ALK):c.4185C>T (p.Thr1395=)

Gene: ALK (ALK receptor tyrosine kinase; minus strand). Cytogenetic location: 2p23.2.
Variant type: single nucleotide variant.
Coding change: c.4185C>T on transcript NM_004304.5 (MANE Select); coding-DNA position 4185, C replaced by T.
Protein change: p.Thr1395=; no amino-acid change (threonine 1395 retained).
Molecular consequence: synonymous variant.
Genome position (GRCh38, 1-based): chr2:29,193,902, G>A on the plus strand (C>T on the coding strand, the complement: ALK is on the minus strand). VCF-style: chr2-29193902-G-A. GRCh37 (hg19) VCF-style: chr2-29416768-G-A.
Other names: c.981C>T, p.Thr327= (NM_001353765.2).
Identifiers: ClinVar variation 470865 (VCV000470865.18), dbSNP rs571470900, ClinGen allele CA1593632.
Genomic context (GRCh38, chr2:29,193,902, plus strand): 5'-GGGCCTCACAGGCACTTTCTCTTCCTCTTCCACAAGTGGACCATATTCTATCGGCAAAGC[G>A]GTGTTGATTACATCCGGGTCCTGCCGTAGGGGAAATTATTAAAACTTTGAATCAGAGACA-3'
Protein context (NP_004295.2, residues 1385-1405): YCTQDPDVIN[Thr1395=]ALPIEYGPLV

ClinVar aggregate classification (germline): Benign/Likely benign. Review status: criteria provided, multiple submitters, no conflicts (2 of 4 stars). 5 submissions from 5 submitters: Benign (1); Likely benign (3). 1 of the submissions does not count toward it. Last evaluated 2026-01-25.

Conditions:
Neuroblastoma, susceptibility to, 3. Also called: ALK-Related Neuroblastic Tumor Susceptibility. Identifiers: Orphanet 635, MedGen C2751681, MONDO:0013083, OMIM 613014.
ALK-related disorder. Also called: ALK-related condition.
Hereditary cancer-predisposing syndrome. Also called: Hereditary neoplastic syndrome; Neoplastic Syndromes, Hereditary; Hereditary Cancer Syndrome; Tumor predisposition. Identifiers: Orphanet 140162, MedGen C0027672, MeSH D009386, MONDO:0015356.

Allele frequency attached by ClinVar (database versions not stated): ExAC 0.00003; gnomAD exomes 0.00005; 1000 Genomes Project 30x 0.00016; 1000 Genomes Project 0.00020; gnomAD 0.00022; TOPMed 0.00067.
gnomAD v4.1: 84 of 1,614,150 alleles (0.0052%); highest among the groups gnomAD compares: Admixed American, 0.08%; no homozygotes.

Submissions (5):

Labcorp Genetics (formerly Invitae), Labcorp
Classification: Likely benign for Neuroblastoma, susceptibility to, 3. Last evaluated: 2026-01-25. Review status: criteria provided, single submitter. Criteria: Invitae Variant Classification Sherloc (09022015). Collection method: clinical testing. Allele origin: germline.

Blueprint Genetics
Classification: Likely benign. Last evaluated: 2024-10-11. Review status: criteria provided, single submitter. Criteria: ACMG Guidelines, 2015. Collection method: clinical testing. Allele origin: germline.

Ambry Genetics
Classification: Likely benign for Hereditary cancer-predisposing syndrome. Last evaluated: 2022-02-15. Review status: criteria provided, single submitter. Criteria: Ambry Variant Classification Scheme 2023. Collection method: clinical testing. Allele origin: germline.

Sema4
Classification: Benign for Hereditary cancer-predisposing syndrome. Last evaluated: 2021-04-27. Review status: criteria provided, single submitter. Criteria: Sema4 Curation Guidelines. Collection method: curation. Allele origin: germline.

PreventionGenetics, part of Exact Sciences
Classification: Likely benign for ALK-related condition. Last evaluated: 2023-02-02. Review status: no assertion criteria provided. Collection method: clinical testing. Allele origin: germline. Not counted in ClinVar's aggregate classification.
Comment: This variant is classified as likely benign based on ACMG/AMP sequence variant interpretation guidelines (Richards et al. 2015 PMID: 25741868, with internal and published modifications).